The following is an entry in ClinVar:

ClinVar aggregate classification (germline): Uncertain significance (1 of 4 stars; one submission).

Allele frequency attached by ClinVar (database versions not stated): gnomAD 0.00001; gnomAD exomes 0.00001; TOPMed 0.00001; ExAC 0.00002.
gnomAD v4.1: 19 of 1,613,718 alleles (0.0012%); highest among the groups gnomAD compares: South Asian, 0.0055%; no homozygotes.

Submission:

Labcorp Genetics (formerly Invitae), Labcorp
Classification: Uncertain significance. Last evaluated: 2022-10-25. Review status: criteria provided, single submitter. Criteria: Invitae Variant Classification Sherloc (09022015). Collection method: clinical testing. Allele origin: germline.
Comment: In summary, the available evidence is currently insufficient to determine the role of this variant in disease. Therefore, it has been classified as a Variant of Uncertain Significance. Advanced modeling of protein sequence and biophysical properties (such as structural, functional, and spatial information, amino acid conservation, physicochemical variation, residue mobility, and thermodynamic stability) has been performed at Invitae for this missense variant, however the output from this modeling did not meet the statistical confidence thresholds required to predict the impact of this variant on CHD8 protein function. This variant has not been reported in the literature in individuals affected with CHD8-related conditions. This variant is present in population databases (rs772660830, gnomAD 0.006%). This sequence change replaces arginine, which is basic and polar, with glutamine, which is neutral and polar, at codon 1834 of the CHD8 protein (p.Arg1834Gln).

NM_001170629.2(CHD8):c.5501G>A (p.Arg1834Gln)

Gene: CHD8 (chromodomain helicase DNA binding protein 8; minus strand). Cytogenetic location: 14q11.2.
Variant type: single nucleotide variant.
Coding change: c.5501G>A on transcript NM_001170629.2 (MANE Select); coding-DNA position 5501, G replaced by A.
Protein change: p.Arg1834Gln; replaces arginine 1834 with glutamine.
Molecular consequence: missense variant.
Genome position (GRCh38, 1-based): chr14:21,394,375, C>T on the plus strand (G>A on the coding strand, the complement: CHD8 is on the minus strand). VCF-style: chr14-21394375-C-T. GRCh37 (hg19) VCF-style: chr14-21862534-C-T.
Other names: c.4664G>A, p.Arg1555Gln (NM_020920.4); short protein forms R1555Q, R1834Q.
Identifiers: ClinVar variation 1922852 (VCV001922852.5), dbSNP rs772660830, ClinGen allele CA7090938.
Genomic context (GRCh38, chr14:21,394,375, plus strand): 5'-CACATGGCCACAAAGCCATGGAAGTACTTGGTAAGGCTTTCATCTGTCTTTTTGTCTAGT[C>T]GAGCAAAAGTGCGGAAGCGATCCCAATGGAACTGCATGGTGTCAGGGTCATATTCCACAC-3'
Protein context (NP_001164100.1, residues 1824-1844): FHWDRFRTFA[Arg1834Gln]LDKKTDESLT